The following is an entry in ClinVar:

ClinVar aggregate classification (germline): Uncertain significance (1 of 4 stars; one submission).

Submission:

Labcorp Genetics (formerly Invitae), Labcorp
Classification: Uncertain significance. Last evaluated: 2023-03-20. Review status: criteria provided, single submitter. Criteria: Invitae Variant Classification Sherloc (09022015). Collection method: clinical testing. Allele origin: germline.
Comment: In summary, the available evidence is currently insufficient to determine the role of this variant in disease. Therefore, it has been classified as a Variant of Uncertain Significance. Variants that disrupt the consensus splice site are a relatively common cause of aberrant splicing (PMID: 17576681, 9536098). Algorithms developed to predict the effect of sequence changes on RNA splicing suggest that this variant may create or strengthen a splice site. This variant has not been reported in the literature in individuals affected with POLR1A-related conditions. This variant is not present in population databases (gnomAD no frequency). This sequence change falls in intron 7 of the POLR1A gene. It does not directly change the encoded amino acid sequence of the POLR1A protein. It affects a nucleotide within the consensus splice site.

Literature cited by the submitters: PubMed 17576681; PubMed 9536098.

NM_015425.6(POLR1A):c.817+3G>A

Gene: POLR1A (RNA polymerase I subunit A; minus strand). Cytogenetic location: 2p11.2.
Variant type: single nucleotide variant.
Coding change: c.817+3G>A on transcript NM_015425.6 (MANE Select); 3 bases into the intron after coding-DNA position 817, G replaced by A.
Molecular consequence: intron variant.
Genome position (GRCh38, 1-based): chr2:86,083,079, C>T on the plus strand (G>A on the coding strand, the complement: POLR1A is on the minus strand). VCF-style: chr2-86083079-C-T. GRCh37 (hg19) VCF-style: chr2-86310202-C-T.
Identifiers: ClinVar variation 2878405 (VCV002878405.3), dbSNP rs1673434468, ClinGen allele CA2739271134.